The following is an entry in ClinVar:

NM_000143.4(FH):c.839G>C (p.Gly280Ala)

Gene: FH (fumarate hydratase; minus strand). Cytogenetic location: 1q43.
Variant type: single nucleotide variant.
Coding change: c.839G>C on transcript NM_000143.4 (MANE Select); coding-DNA position 839, G replaced by C.
Protein change: p.Gly280Ala; replaces glycine 280 with alanine.
Molecular consequence: missense variant.
Genome position (GRCh38, 1-based): chr1:241,506,068, C>G on the plus strand (G>C on the coding strand, the complement: FH is on the minus strand). VCF-style: chr1-241506068-C-G. GRCh37 (hg19) VCF-style: chr1-241669368-C-G.
Other names: short protein forms G280A.
Identifiers: ClinVar variation 4843541 (VCV004843541.1).
Genomic context (GRCh38, chr1:241,506,068, plus strand): 5'-AGTGCAGCCACTTTTGCAGCAACCTTTTCTGCAAAGCCAATTCTAGTATTTAAACCTGTA[C>G]CAACAGCAGTGCCTCCAGCTGCGAGCTCATAGATTCTTGGCATGGCAGCTTTTATTCTTG-3'
Protein context (NP_000134.2, residues 270-290): YELAAGGTAV[Gly280Ala]TGLNTRIGFA

ClinVar aggregate classification (germline): Likely pathogenic (1 of 4 stars; one submission).

Conditions:
Hereditary cancer-predisposing syndrome. Also called: Neoplastic Syndromes, Hereditary; Tumor predisposition; Hereditary Cancer Syndrome; Hereditary neoplastic syndrome. Identifiers: Orphanet 140162, MedGen C0027672, MeSH D009386, MONDO:0015356.

Submission:

Ambry Genetics
Classification: Likely pathogenic for Hereditary cancer-predisposing syndrome. Last evaluated: 2025-12-18. Review status: criteria provided, single submitter. Criteria: Ambry Variant Classification Scheme 2023. Collection method: clinical testing. Allele origin: germline.
Comment: The p.G280A variant (also known as c.839G>C), located in coding exon 6 of the FH gene, results from a G to C substitution at nucleotide position 839. The glycine at codon 280 is replaced by alanine, an amino acid with similar properties. This variant was reported in individual(s) with features consistent with FH-related tumor predisposition (Ambry internal data). Other variant(s) at the same codon, p.G280S (c.838G>A), have been identified in individual(s) with features consistent with FH-related tumor predisposition (Ambry internal data). This amino acid position is highly conserved in available vertebrate species. In addition, this alteration is predicted to be deleterious by in silico analysis. This variant is considered to be rare based on population cohorts in the Genome Aggregation Database (gnomAD). Based on the majority of available evidence to date, this variant is likely to be pathogenic.